The following is an entry in ClinVar:

NM_000179.3(MSH6):c.2877dup (p.Asn960fs)

Gene: MSH6 (mutS homolog 6; plus strand). Cytogenetic location: 2p16.3.
Variant type: Duplication.
Coding change: c.2877dup on transcript NM_000179.3 (MANE Select); coding-DNA position 2877, one base duplicated (C; older notation c.2877dupC).
Protein change: p.Asn960fs; shifts the reading frame from asparagine 960.
Molecular consequence: frameshift variant.
Genome position (GRCh38, 1-based): chr2:47,800,860, C duplicated. VCF-style (leftmost placement, unchanged base first): chr2-47800859-G-GC. GRCh37 (hg19) VCF-style: chr2-48027998-G-GC.
Other names: c.2487dup, p.Asn830fs (NM_001281492.2); c.1971dup, p.Asn658fs (NM_001281493.2, NM_001281494.2); c.2973dup, p.Asn992Glnfs (NM_001406795.1, NM_001406802.1); c.2877dup, p.Asn960Glnfs (NM_001406796.1, NM_001406798.1, NM_001406800.1 and 2 more transcripts); c.2580dup, p.Asn861Glnfs (NM_001406797.1, NM_001406801.1, NM_001406805.1 and 10 more transcripts); c.2352dup, p.Asn785Glnfs (NM_001406799.1, NM_001406806.1, NM_001406807.1); c.2799dup, p.Asn934Glnfs (NM_001406804.1); c.1971dup, p.Asn658Glnfs (NM_001406811.1, NM_001406812.1, NM_001406814.1 and 4 more transcripts); and 4 more; short protein forms N830fs, N960fs, N658fs.
Identifiers: ClinVar variation 1797115 (VCV001797115.2), dbSNP rs2530699173, ClinGen allele CA2580068094.

ClinVar aggregate classification (germline): Pathogenic (1 of 4 stars; one submission).

Conditions:
Hereditary cancer-predisposing syndrome. Also called: Tumor predisposition; Hereditary Cancer Syndrome; Neoplastic Syndromes, Hereditary; Hereditary neoplastic syndrome. Identifiers: Orphanet 140162, MedGen C0027672, MeSH D009386, MONDO:0015356.

Submission:

Ambry Genetics
Classification: Pathogenic for Hereditary cancer-predisposing syndrome. Last evaluated: 2022-01-12. Review status: criteria provided, single submitter. Criteria: Ambry Variant Classification Scheme 2023. Collection method: clinical testing. Allele origin: germline.
Comment: The c.2877dupC pathogenic mutation, located in coding exon 4 of the MSH6 gene, results from a duplication of C at nucleotide position 2877, causing a translational frameshift with a predicted alternate stop codon (p.N960Qfs*6). This variant has been identified in a proband(s) whose Lynch syndrome-associated tumor demonstrated loss of MSH6 expression by immunohistochemistry (Ambry internal data). This variant is considered to be rare based on population cohorts in the Genome Aggregation Database (gnomAD). This alteration is expected to result in loss of function by premature protein truncation or nonsense-mediated mRNA decay. As such, this alteration is interpreted as a disease-causing mutation.